The following is an entry in ClinVar:

NM_000179.3(MSH6):c.2202G>A (p.Val734=)

Gene: MSH6 (mutS homolog 6; plus strand). Cytogenetic location: 2p16.3.
Variant type: single nucleotide variant.
Coding change: c.2202G>A on transcript NM_000179.3 (MANE Select); coding-DNA position 2202, G replaced by A.
Protein change: p.Val734=; no amino-acid change (valine 734 retained).
Molecular consequence: synonymous variant.
Genome position (GRCh38, 1-based): chr2:47,800,185, G>A. VCF-style: chr2-47800185-G-A. GRCh37 (hg19) VCF-style: chr2-48027324-G-A.
Other names: c.1812G>A, p.Val604= (NM_001281492.2); c.1296G>A, p.Val432= (NM_001281493.2, NM_001281494.2).
Identifiers: ClinVar variation 1105802 (VCV001105802.12), dbSNP rs2104393896, ClinGen allele CA426121730.
Genomic context (GRCh38, chr2:47,800,185, plus strand): 5'-TGACACAGTCAGCACTACAAGATCTGGTGCTATCTTCACCAAAGCCTATCAACGAATGGT[G>A]CTAGATGCAGTGACATTAAACAACTTGGAGATTTTTCTGAATGGAACAAATGGTTCTACT-3'
Protein context (NP_000170.1, residues 724-744): AIFTKAYQRM[Val734=]LDAVTLNNLE

ClinVar aggregate classification (germline): Benign/Likely benign. Review status: criteria provided, multiple submitters, no conflicts (2 of 4 stars). 2 submissions from 2 submitters: Benign (1); Likely benign (1). Last evaluated 2024-12-30.

Conditions:
Hereditary nonpolyposis colorectal neoplasms. Identifiers: MedGen C0009405, MeSH D003123.
Lynch syndrome 5 (LYNCH5). Also called: Hereditary non-polyposis colorectal cancer, type 5; Colorectal cancer, hereditary nonpolyposis, type 5. Identifiers: Orphanet 144, MedGen C1833477, MONDO:0013710, OMIM 614350. Disease mechanism: loss of function.

Submissions (2):

Myriad Genetics, Inc.
Classification: Benign for Lynch syndrome 5. Last evaluated: 2024-12-30. Review status: criteria provided, single submitter. Criteria: Myriad Autosomal Dominant, Autosomal Recessive and X-Linked Classification Criteria (2023). Collection method: clinical testing. Allele origin: unknown.
Comment: This variant is considered benign. This variant is a silent/synonymous amino acid change and it is not expected to impact splicing.

Labcorp Genetics (formerly Invitae), Labcorp
Classification: Likely benign for Hereditary nonpolyposis colorectal neoplasms. Last evaluated: 2022-07-05. Review status: criteria provided, single submitter. Criteria: Invitae Variant Classification Sherloc (09022015). Collection method: clinical testing. Allele origin: germline.